The following is an entry in ClinVar:

ClinVar aggregate classification (germline): Likely benign. Review status: criteria provided, single submitter (1 of 4 stars). 2 submissions from 2 submitters: Likely benign (1). 1 of the submissions does not count toward it. Last evaluated 2026-01-31.

Conditions:
Methylmalonic acidemia with homocystinuria, type cblX (MAHCX). Also called: INTELLECTUAL DEVELOPMENTAL DISORDER, X-LINKED 3. Identifiers: Orphanet 369962, MedGen C0796208, MONDO:0010657, OMIM 309541.
HCFC1-related disorder. Also called: HCFC1-related condition.

Allele frequency attached by ClinVar (database versions not stated): ExAC 0.00001; gnomAD 0.00012; 1000 Genomes Project 0.00026.

Submissions (4):

Labcorp Genetics (formerly Invitae), Labcorp
Classification: Likely benign for Methylmalonic acidemia with homocystinuria, type cblX. Last evaluated: 2026-01-31. Review status: criteria provided, single submitter. Criteria: Invitae Variant Classification Sherloc (09022015). Collection method: clinical testing. Allele origin: germline.

PreventionGenetics, part of Exact Sciences
Classification: Likely benign for HCFC1-related condition. Last evaluated: 2019-08-27. Review status: no assertion criteria provided. Collection method: clinical testing. Allele origin: germline. Not counted in ClinVar's aggregate classification.
Comment: This variant is classified as likely benign based on ACMG/AMP sequence variant interpretation guidelines (Richards et al. 2015 PMID: 25741868, with internal and published modifications).

Dr. Peter K. Rogan Lab, Western University
No classification provided (evidence only). Condition: Nonpapillary renal cell carcinoma. Review status: no classification provided. Collection method: in vitro. Allele origin: not applicable. Functional consequence: retained intron. Not counted in ClinVar's aggregate classification.

Dr. Peter K. Rogan Lab, Western University
No classification provided (evidence only). Condition: Nonpapillary renal cell carcinoma. Review status: no classification provided. Collection method: in vitro. Allele origin: not applicable. Functional consequence: retained intron. Not counted in ClinVar's aggregate classification.

NM_005334.3(HCFC1):c.4263C>A (p.Pro1421=)

Gene: HCFC1 (host cell factor C1; minus strand). Cytogenetic location: Xq28.
Variant type: single nucleotide variant.
Coding change: c.4263C>A on transcript NM_005334.3 (MANE Select); coding-DNA position 4263, C replaced by A.
Protein change: p.Pro1421=; no amino-acid change (proline 1421 retained).
Molecular consequence: synonymous variant.
Genome position (GRCh38, 1-based): chrX:153,954,136, G>T on the plus strand (C>A on the coding strand, the complement: HCFC1 is on the minus strand). VCF-style: chrX-153954136-G-T. GRCh37 (hg19) VCF-style: chrX-153219587-G-T.
Identifiers: ClinVar variation 728815 (VCV000728815.14), dbSNP rs782566624, ClinGen allele CA10557043.